The following is an entry in ClinVar:

ClinVar aggregate classification (germline): Uncertain significance. Review status: criteria provided, multiple submitters, no conflicts (2 of 4 stars). 2 submissions from 2 submitters: Uncertain significance (2). Last evaluated 2023-03-15.

Conditions:
Hereditary cancer-predisposing syndrome. Also called: Tumor predisposition; Hereditary Cancer Syndrome; Neoplastic Syndromes, Hereditary; Hereditary neoplastic syndrome. Identifiers: Orphanet 140162, MedGen C0027672, MeSH D009386, MONDO:0015356.
Familial adenomatous polyposis 1 (FAP1). Also called: FAMILIAL ADENOMATOUS POLYPOSIS 1, ATTENUATED; POLYPOSIS, ADENOMATOUS INTESTINAL. Identifiers: MedGen C2713442, MONDO:0021056, OMIM 175100. Disease mechanism: loss of function.

Submissions (2):

Ambry Genetics
Classification: Uncertain significance for Hereditary cancer-predisposing syndrome. Last evaluated: 2023-03-15. Review status: criteria provided, single submitter. Criteria: Ambry Variant Classification Scheme 2023. Collection method: clinical testing. Allele origin: germline.
Comment: The p.G861V variant (also known as c.2582G>T), located in coding exon 15 of the APC gene, results from a G to T substitution at nucleotide position 2582. The glycine at codon 861 is replaced by valine, an amino acid with dissimilar properties. This amino acid position is not well conserved in available vertebrate species. In addition, in silico predictors for this gene do not accurately predict pathogenicity. Since supporting evidence is limited at this time, the clinical significance of this alteration remains unclear.

Labcorp Genetics (formerly Invitae), Labcorp
Classification: Uncertain significance for Familial adenomatous polyposis 1. Last evaluated: 2022-07-13. Review status: criteria provided, single submitter. Criteria: Invitae Variant Classification Sherloc (09022015). Collection method: clinical testing. Allele origin: germline.
Comment: This sequence change replaces glycine, which is neutral and non-polar, with valine, which is neutral and non-polar, at codon 861 of the APC protein (p.Gly861Val). This variant is not present in population databases (gnomAD no frequency). This variant has not been reported in the literature in individuals affected with APC-related conditions. Algorithms developed to predict the effect of missense changes on protein structure and function output the following: SIFT: "Deleterious"; PolyPhen-2: "Benign"; Align-GVGD: "Class C0". The valine amino acid residue is found in multiple mammalian species, which suggests that this missense change does not adversely affect protein function. In summary, the available evidence is currently insufficient to determine the role of this variant in disease. Therefore, it has been classified as a Variant of Uncertain Significance.

NM_000038.6(APC):c.2582G>T (p.Gly861Val)

Gene: APC (APC regulator of Wnt signaling pathway; plus strand). Cytogenetic location: 5q22.2.
Variant type: single nucleotide variant.
Coding change: c.2582G>T on transcript NM_000038.6 (MANE Select); coding-DNA position 2582, G replaced by T.
Protein change: p.Gly861Val; replaces glycine 861 with valine.
Molecular consequence: missense variant.
Genome position (GRCh38, 1-based): chr5:112,838,176, G>T. VCF-style: chr5-112838176-G-T. GRCh37 (hg19) VCF-style: chr5-112173873-G-T.
Other names: c.2582G>T, p.Gly861Val (NM_001127510.3, NM_001354895.2, NM_001407450.1); c.2528G>T, p.Gly843Val (NM_001127511.3); c.2636G>T, p.Gly879Val (NM_001354896.2, NM_001407447.1, NM_001407448.1 and 1 more transcripts); c.2612G>T, p.Gly871Val (NM_001354897.2); c.2507G>T, p.Gly836Val (NM_001354898.2); c.2498G>T, p.Gly833Val (NM_001354899.2); c.2459G>T, p.Gly820Val (NM_001354900.2); c.2405G>T, p.Gly802Val (NM_001354901.2, NM_001407453.1); and 11 more; short protein forms G843V, G879V, G889V, G732V, G778V, G802V, G836V, G854V.
Identifiers: ClinVar variation 1793396 (VCV001793396.5), dbSNP rs2149872953, ClinGen allele CA16026989.